The following is an entry in ClinVar:

ClinVar aggregate classification (germline): Uncertain significance. Review status: criteria provided, multiple submitters, no conflicts (2 of 4 stars). 2 submissions from 2 submitters: Uncertain significance (2). Last evaluated 2025-05-12.

Conditions:
Intellectual developmental disorder, autosomal dominant 1. Also called: Intellectual disability, autosomal dominant 1; MBD5 Haploinsufficiency. Identifiers: Orphanet 228402, MedGen C1969562, MONDO:0007974, OMIM 156200.

Submissions (2):

GeneDx
Classification: Uncertain significance. Last evaluated: 2025-05-12. Review status: criteria provided, single submitter. Criteria: GeneDx Variant Classification Process June 2021. Collection method: clinical testing. Allele origin: germline.
Comment: Not observed at significant frequency in large population cohorts (gnomAD); In silico analysis supports that this missense variant has a deleterious effect on protein structure/function; Has not been previously published as pathogenic or benign to our knowledge

Labcorp Genetics (formerly Invitae), Labcorp
Classification: Uncertain significance for Intellectual developmental disorder, autosomal dominant 1. Last evaluated: 2019-11-19. Review status: criteria provided, single submitter. Criteria: Invitae Variant Classification Sherloc (09022015). Collection method: clinical testing. Allele origin: germline.
Comment: In summary, the available evidence is currently insufficient to determine the role of this variant in disease. Therefore, it has been classified as a Variant of Uncertain Significance. This variant has not been reported in the literature in individuals with MBD5-related conditions. This sequence change replaces proline with alanine at codon 1380 of the MBD5 protein (p.Pro1380Ala). The proline residue is highly conserved and there is a small physicochemical difference between proline and alanine. This variant is not present in population databases (ExAC no frequency).

NM_001378120.1(MBD5):c.4837C>G (p.Pro1613Ala)

Gene: MBD5 (methyl-CpG binding domain protein 5; plus strand). Cytogenetic location: 2q23.1.
Variant type: single nucleotide variant.
Coding change: c.4837C>G on transcript NM_001378120.1 (MANE Select); coding-DNA position 4837, C replaced by G.
Protein change: p.Pro1613Ala; replaces proline 1613 with alanine.
Molecular consequence: missense variant.
Genome position (GRCh38, 1-based): chr2:148,490,469, C>G. VCF-style: chr2-148490469-C-G. GRCh37 (hg19) VCF-style: chr2-149248038-C-G.
Other names: c.4138C>G, p.Pro1380Ala (NM_018328.5); short protein forms P1380A, P1613A.
Identifiers: ClinVar variation 852586 (VCV000852586.12), dbSNP rs773779478, ClinGen allele CA348731655.